The following is an entry in ClinVar:

NM_000384.3(APOB):c.6879T>C (p.Asp2293=)

Gene: APOB (apolipoprotein B; minus strand). Cytogenetic location: 2p24.1.
Variant type: single nucleotide variant.
Coding change: c.6879T>C on transcript NM_000384.3 (MANE Select); coding-DNA position 6879, T replaced by C.
Protein change: p.Asp2293=; no amino-acid change (aspartic acid 2293 retained).
Molecular consequence: synonymous variant.
Genome position (GRCh38, 1-based): chr2:21,009,989, A>G on the plus strand (T>C on the coding strand, the complement: APOB is on the minus strand). VCF-style: chr2-21009989-A-G. GRCh37 (hg19) VCF-style: chr2-21232861-A-G.
Other names: c.6879T>C (NM_000384.2).
Identifiers: ClinVar variation 2045029 (VCV002045029.6), dbSNP rs1663261562, ClinGen allele CA425345858.
Genomic context (GRCh38, chr2:21,009,989, plus strand): 5'-AATGTCATTTATTCTTTCAAATGAAATTGTAGTTCCCAATTGATCTAAAAGCACTCTAAC[A>G]TCAATAGCCTCAATGTGTTGTTTTAACTTTCCAGCTAGGTGCTGGATGTCTATATTCTGT-3'
Protein context (NP_000375.3, residues 2283-2303): GKLKQHIEAI[Asp2293=]VRVLLDQLGT

ClinVar aggregate classification (germline): Likely benign. Review status: criteria provided, multiple submitters, no conflicts (2 of 4 stars). 3 submissions from 3 submitters: Likely benign (3). Last evaluated 2026-06-19.

Conditions:
Familial hypobetalipoproteinemia 1. Also called: APOB-Related Familial Hypobetalipoproteinemia; Acanthocytosis with hypobetalipoproteinemia; Hypobetalipoproteinemia, normotriglyceridemic. Identifiers: MedGen C4551990, MONDO:0014252, OMIM 615558.
Hypercholesterolemia, autosomal dominant, type B (FHCL2). Also called: Familial Hypercholesterolemia Type B; APOLIPOPROTEIN B-100, FAMILIAL DEFECTIVE; APOLIPOPROTEIN B-100, FAMILIAL LIGAND-DEFECTIVE; HYPERCHOLESTEROLEMIA, FAMILIAL, DUE TO LIGAND-DEFECTIVE APOLIPOPROTEIN B; Familial hypercholesterolemia 2; Hyperlipoproteinemia Type IIb. Identifiers: MedGen C1704417, MONDO:0007751, OMIM 144010.
Cardiovascular phenotype. Identifiers: MedGen CN230736.
Familial hypercholesterolemia. Also called: Familial hypercholesterolemias; Familial hypercholesterolaemia. Identifiers: MedGen C0020445, MONDO:0005439.

Allele frequency attached by ClinVar (database versions not stated): TOPMed 0.00001.

Submissions (3):

GENinCode PLC
Classification: Likely benign for Familial hypercholesterolemia. Last evaluated: 2026-06-19. Review status: criteria provided, single submitter. Criteria: ACMG Guidelines, 2015. Collection method: clinical testing. Allele origin: germline.
Comment: This is a synonymous (silent) variant that is not predicted to impact splicing and occurs at a nucleotide which is not highly conserved. This variant has been classified as Likely Benign (BP4, BP7).

Ambry Genetics
Classification: Likely benign for Cardiovascular phenotype. Last evaluated: 2024-04-27. Review status: criteria provided, single submitter. Criteria: Ambry Variant Classification Scheme 2023. Collection method: clinical testing. Allele origin: germline.

Labcorp Genetics (formerly Invitae), Labcorp
Classification: Likely benign for Familial hypobetalipoproteinemia 1; Hypercholesterolemia, autosomal dominant, type B. Last evaluated: 2024-03-20. Review status: criteria provided, single submitter. Criteria: Invitae Variant Classification Sherloc (09022015). Collection method: clinical testing. Allele origin: germline.